The following is an entry in ClinVar:

ClinVar aggregate classification (germline): Likely pathogenic. Review status: criteria provided, multiple submitters, no conflicts (2 of 4 stars). 4 submissions from 4 submitters: Likely pathogenic (4). Last evaluated 2018-10-31.

Conditions:
Mitochondrial DNA depletion syndrome 6 (hepatocerebral type). Also called: Mitochondrial DNA depletion syndrome type 6; NAVAJO NEUROPATHY; Navajo neurohepatopathy. Identifiers: Orphanet 255229, MedGen C1850406, MONDO:0009747, OMIM 256810.

Submissions (4):

Fulgent Genetics
Classification: Likely pathogenic for Mitochondrial DNA depletion syndrome 6 (hepatocerebral type). Last evaluated: 2018-10-31. Review status: criteria provided, single submitter. Criteria: ACMG Guidelines, 2015. Collection method: clinical testing. Allele origin: unknown.

GeneDx
Classification: Likely pathogenic. Last evaluated: 2018-09-20. Review status: criteria provided, single submitter. Criteria: GeneDx Variant Classification (06012015). Collection method: clinical testing. Allele origin: germline. Affected: yes.
Comment: The c.375G>A variant in the MPV17 gene has not been reported previously as a pathogenic variant nor as a benign variant, to our knowledge. This variant destroys the natural splice donor site of intron 5, and is expected to cause abnormal gene splicing. The c.375G>A variant is not observed in large population cohorts (Lek et al., 2016; 1000 Genomes Consortium et al., 2015; Exome Variant Server). We interpret c.375G>A as a likely pathogenic variant.

Department of Genetics, Sultan Qaboos University Hospital
Classification: Likely pathogenic for Mitochondrial DNA depletion syndrome 6 (hepatocerebral type). Last evaluated: 2017-12-30. Review status: criteria provided, single submitter. Criteria: ACMG Guidelines, 2015. Collection method: curation. Allele origin: unknown. Affected: yes.

Neuberg Centre For Genomic Medicine, NCGM
Classification: Likely pathogenic for Mitochondrial DNA depletion syndrome 6 (hepatocerebral type). Review status: criteria provided, single submitter. Criteria: ACMG Guidelines, 2015. Collection method: clinical testing. Allele origin: germline. Inheritance: Autosomal recessive inheritance. Affected: yes.
Comment: The synonymous MPV17 variant c.375G>A(p.Arg125) has not been reported previously as a pathogenic variant nor as a benign variant, to our knowledge. The p.Arg125 variant is novel (not in any individuals) in gnomAD Exomes and 1000 Genomes. This variant has been reported to the ClinVar database as Likely Pathogenic. This p.Arg125 type of mutation causes no change in the protein that is produced, which is why it's considered as synonymous mutation. This variant destroys the natural splice donor site of intron 5, and is expected to cause abnormal gene splicing. For these reasons, this variant has been classified as Likely Pathogenic

NM_002437.5(MPV17):c.375G>A (p.Arg125=)

Gene: MPV17 (mitochondrial inner membrane protein MPV17; minus strand). Cytogenetic location: 2p23.3.
Variant type: single nucleotide variant.
Coding change: c.375G>A on transcript NM_002437.5 (MANE Select); coding-DNA position 375, G replaced by A.
Protein change: p.Arg125=; no amino-acid change (arginine 125 retained).
Molecular consequence: synonymous variant.
Genome position (GRCh38, 1-based): chr2:27,312,494, C>T on the plus strand (G>A on the coding strand, the complement: MPV17 is on the minus strand). VCF-style: chr2-27312494-C-T. GRCh37 (hg19) VCF-style: chr2-27535361-C-T.
Identifiers: ClinVar variation 418309 (VCV000418309.5), dbSNP rs1064793178, ClinGen allele CA16617525.
Genomic context (GRCh38, chr2:27,312,494, plus strand): 5'-TTCTTCCCCTGGGCTGTCAGCCCGCCAGCCAGAGACATTCTCCACACCTGCCCAGCTCAC[C>T]CGCTGTAGTTTGGCCCAGTTGTCCTGGGCTGACAGTCCATTAAGTGCCCCTACCAGTGGG-3'
Protein context (NP_002428.1, residues 115-135): SAQDNWAKLQ[Arg125=]DYPDALITNY